The following is an entry in ClinVar:

ClinVar aggregate classification (germline): Conflicting classifications of pathogenicity. Review status: criteria provided, conflicting classifications (1 of 4 stars). 2 submissions from 2 submitters: Uncertain significance (1); Likely benign (1). Last evaluated 2023-03-20.

Conditions:
Inborn genetic diseases. Identifiers: MedGen C0950123, MeSH D030342.

Allele frequency attached by ClinVar (database versions not stated): TOPMed 0.00003; gnomAD 0.00005.

Submissions (2):

Ambry Genetics
Classification: Uncertain significance for Inborn genetic diseases. Last evaluated: 2023-03-20. Review status: criteria provided, single submitter. Criteria: Ambry Variant Classification Scheme 2023. Collection method: clinical testing. Allele origin: germline.

CeGaT Center for Human Genetics Tuebingen
Classification: Likely benign. Last evaluated: 2022-08-01. Review status: criteria provided, single submitter. Criteria: CeGaT Center For Human Genetics Tuebingen Variant Classification Criteria Version 2. Collection method: clinical testing. Allele origin: germline. Affected: yes. Observed: 1 variant allele.
Comment: NEUROD2: BS2

NM_006160.4(NEUROD2):c.725C>A (p.Pro242Gln)

Gene: NEUROD2 (neuronal differentiation 2; minus strand). Cytogenetic location: 17q12.
Variant type: single nucleotide variant.
Coding change: c.725C>A on transcript NM_006160.4 (MANE Select); coding-DNA position 725, C replaced by A.
Protein change: p.Pro242Gln; replaces proline 242 with glutamine.
Molecular consequence: missense variant.
Genome position (GRCh38, 1-based): chr17:39,605,875, G>T on the plus strand (C>A on the coding strand, the complement: NEUROD2 is on the minus strand). VCF-style: chr17-39605875-G-T. GRCh37 (hg19) VCF-style: chr17-37762128-G-T.
Other names: c.725C>A (NM_006160.3); short protein forms P242Q.
Identifiers: ClinVar variation 1711437 (VCV001711437.32), dbSNP rs751852085, ClinGen allele CA290434440.
Genomic context (GRCh38, chr17:39,605,875, plus strand): 5'-GCCGCGCCGCCGCCCAGGCCGCCGGCCGCCTGGCACTGTGCGCCCGCCAGGCGCGAGCAC[G>T]GGTACGGGTAGGGGTGCATGGCGAACGGGCCGCCCGAGCCGTGGAAGCGGCCGGCACCGT-3'
Protein context (NP_006151.3, residues 232-252): GPFAMHPYPY[Pro242Gln]CSRLAGAQCQ